The following is an entry in ClinVar:

ClinVar aggregate classification (germline): Likely benign (0 of 4 stars; one submission).

Conditions:
KDM5B-related disorder. Also called: KDM5B-related condition.

Allele frequency attached by ClinVar (database versions not stated): ExAC 0.00002; TOPMed 0.00005; gnomAD 0.00010; ESP Exome Variant Server 0.00023.
gnomAD v4.1: 84 of 1,611,274 alleles (0.0052%); highest among the groups gnomAD compares: African/African-American, 0.06%; 6 homozygotes.

Submission:

PreventionGenetics, part of Exact Sciences
Classification: Likely benign for KDM5B-related condition. Last evaluated: 2021-03-31. Review status: no assertion criteria provided. Collection method: clinical testing. Allele origin: germline.
Comment: This variant is classified as likely benign based on ACMG/AMP sequence variant interpretation guidelines (Richards et al. 2015 PMID: 25741868, with internal and published modifications).

NM_006618.5(KDM5B):c.1702-4T>C

Gene: KDM5B (lysine demethylase 5B; minus strand). Cytogenetic location: 1q32.1.
Variant type: single nucleotide variant.
Coding change: c.1702-4T>C on transcript NM_006618.5 (MANE Select); 4 bases into the intron before coding-DNA position 1702, T replaced by C.
Molecular consequence: intron variant.
Genome position (GRCh38, 1-based): chr1:202,750,782, A>G on the plus strand (T>C on the coding strand, the complement: KDM5B is on the minus strand). VCF-style: chr1-202750782-A-G. GRCh37 (hg19) VCF-style: chr1-202719910-A-G.
Other names: c.1687-4T>C (NM_001399817.1); c.1567-4T>C (NM_001347591.2); c.1810-4T>C (NM_001314042.2).
Identifiers: ClinVar variation 3036745 (VCV003036745.2), dbSNP rs111467902, ClinGen allele CA1334642.